The following is an entry in ClinVar:

NM_015910.7(WDPCP):c.2107G>C (p.Glu703Gln)

Gene: WDPCP (WD repeat containing planar cell polarity effector; minus strand). Cytogenetic location: 2p15.
Variant type: single nucleotide variant.
Coding change: c.2107G>C on transcript NM_015910.7 (MANE Select); coding-DNA position 2107, G replaced by C.
Protein change: p.Glu703Gln; replaces glutamic acid 703 with glutamine.
Molecular consequence: missense variant. On other transcripts: non-coding transcript variant (3).
Genome position (GRCh38, 1-based): chr2:63,153,546, C>G on the plus strand (G>C on the coding strand, the complement: WDPCP is on the minus strand). VCF-style: chr2-63153546-C-G. GRCh37 (hg19) VCF-style: chr2-63380681-C-G.
Other names: c.1630G>C, p.Glu544Gln (NM_001042692.3); c.2035G>C, p.Glu679Gln (NM_001354044.2); short protein forms E679Q, E544Q, E703Q.
Identifiers: ClinVar variation 2116993 (VCV002116993.2), dbSNP rs1211600492, ClinGen allele CA347061275.

ClinVar aggregate classification (germline): Uncertain significance (1 of 4 stars; one submission).

Conditions:
Bardet-Biedl syndrome (BBS). Identifiers: Orphanet 110, MedGen C0752166, MONDO:0015229.

Submission:

Labcorp Genetics (formerly Invitae), Labcorp
Classification: Uncertain significance for Bardet-Biedl syndrome. Last evaluated: 2022-07-11. Review status: criteria provided, single submitter. Criteria: Invitae Variant Classification Sherloc (09022015). Collection method: clinical testing. Allele origin: germline.
Comment: This variant is not present in population databases (gnomAD no frequency). This sequence change replaces glutamic acid, which is acidic and polar, with glutamine, which is neutral and polar, at codon 703 of the WDPCP protein (p.Glu703Gln). This variant has not been reported in the literature in individuals affected with WDPCP-related conditions. In summary, the available evidence is currently insufficient to determine the role of this variant in disease. Therefore, it has been classified as a Variant of Uncertain Significance. Algorithms developed to predict the effect of missense changes on protein structure and function (SIFT, PolyPhen-2, Align-GVGD) all suggest that this variant is likely to be tolerated.